The following is an entry in ClinVar:

NM_024597.4(MAP7D3):c.30T>C (p.Ala10=)

Genes: MAP7D3 (MAP7 domain containing 3; minus strand), LOC130068748 (ATAC-STARR-seq lymphoblastoid silent region 21026; plus strand). Cytogenetic location: Xq26.3.
Variant type: single nucleotide variant.
Coding change: c.30T>C on transcript NM_024597.4 (MANE Select); coding-DNA position 30, T replaced by C.
Protein change: p.Ala10=; no amino-acid change (alanine 10 retained).
Molecular consequence: synonymous variant. On other transcripts: intron variant (1).
Genome position (GRCh38, 1-based): chrX:136,251,329, A>G on the plus strand (T>C on the coding strand, the complement: MAP7D3 is on the minus strand). VCF-style: chrX-136251329-A-G. GRCh37 (hg19) VCF-style: chrX-135333488-A-G.
Other names: c.30T>C, p.Ala10= (NM_001173517.2); c.16+4975T>C (NM_001173516.1).
Identifiers: ClinVar variation 4821028 (VCV004821028.4).

ClinVar aggregate classification (germline): Likely benign (1 of 4 stars; one submission).

Submission:

CeGaT Center for Human Genetics Tuebingen
Classification: Likely benign. Last evaluated: 2026-03-01. Review status: criteria provided, single submitter. Criteria: CeGaT Center For Human Genetics Tuebingen Variant Classification Criteria Version 2. Collection method: clinical testing. Allele origin: germline. Affected: yes. Observed: 2 variant alleles.
Comment: MAP7D3: PM2:Supporting, BP4, BP7